The following is an entry in ClinVar:

NM_018026.4(PACS1):c.809G>A (p.Arg270His)

Gene: PACS1 (phosphofurin acidic cluster sorting protein 1; plus strand). Cytogenetic location: 11q13.2.
Variant type: single nucleotide variant.
Coding change: c.809G>A on transcript NM_018026.4 (MANE Select); coding-DNA position 809, G replaced by A.
Protein change: p.Arg270His; replaces arginine 270 with histidine.
Molecular consequence: missense variant.
Genome position (GRCh38, 1-based): chr11:66,216,523, G>A. VCF-style: chr11-66216523-G-A. GRCh37 (hg19) VCF-style: chr11-65983994-G-A.
Other names: short protein forms R270H.
Identifiers: ClinVar variation 2807690 (VCV002807690.3), dbSNP rs2495550700, ClinGen allele CA381349149.

ClinVar aggregate classification (germline): Uncertain significance (1 of 4 stars; one submission).

Conditions:
Schuurs-Hoeijmakers syndrome. Also called: PACS1-Related Neurodevelopmental Disorder. Identifiers: Orphanet 329224, MedGen C3554343, MONDO:0014006, OMIM 615009.

Allele frequency attached by ClinVar (database versions not stated): gnomAD exomes below 0.00001.
gnomAD v4.1: 6 of 1,612,878 alleles (0.00037%); highest among the groups gnomAD compares: East Asian, 0.0022%; no homozygotes.

Submission:

Labcorp Genetics (formerly Invitae), Labcorp
Classification: Uncertain significance for Schuurs-Hoeijmakers syndrome. Last evaluated: 2025-03-26. Review status: criteria provided, single submitter. Criteria: Invitae Variant Classification Sherloc (09022015). Collection method: clinical testing. Allele origin: germline.
Comment: This sequence change replaces arginine, which is basic and polar, with histidine, which is basic and polar, at codon 270 of the PACS1 protein (p.Arg270His). This variant is not present in population databases (gnomAD no frequency). This variant has not been reported in the literature in individuals affected with PACS1-related conditions. ClinVar contains an entry for this variant (Variation ID: 2807690). Invitae Evidence Modeling of protein sequence and biophysical properties (such as structural, functional, and spatial information, amino acid conservation, physicochemical variation, residue mobility, and thermodynamic stability) has been performed for this missense variant. However, the output from this modeling did not meet the statistical confidence thresholds required to predict the impact of this variant on PACS1 protein function. In summary, the available evidence is currently insufficient to determine the role of this variant in disease. Therefore, it has been classified as a Variant of Uncertain Significance.